The following is an entry in ClinVar:

NM_020320.5(RARS2):c.1297ATT[1] (p.Ile434del)

Gene: RARS2 (arginyl-tRNA synthetase 2, mitochondrial; minus strand). Cytogenetic location: 6q15.
Variant type: Microsatellite.
Coding change: c.1297ATT[1] on transcript NM_020320.5 (MANE Select); one copy of the 3-base unit ATT starting at c.1297; the reference has two copies in a row; one copy, 3 bases deleted.
Protein change: p.Ile434del; deletes isoleucine 434.
Molecular consequence: inframe deletion. On other transcripts: non-coding transcript variant (23).
Genome position (GRCh38, 1-based): chr6:87,518,827-87,518,829, AAT deleted on the plus strand (ATT on the coding strand, the reverse complement: RARS2 is on the minus strand); deleting any 3 consecutive bases within chr6:87,518,827-87,518,832 gives the same sequence; the position shown is the placement nearest the transcript's 3' end. VCF-style (leftmost placement, unchanged base first): chr6-87518826-GAAT-G. GRCh37 (hg19) VCF-style: chr6-88228544-GAAT-G.
Other names: c.772ATT[1], p.Ile259del (NM_001318785.2, NM_001350506.2, NM_001350507.2 and 4 more transcripts); c.1297ATT[1], p.Ile434del (NM_001350505.2); short protein forms I259del, I434del.
Identifiers: ClinVar variation 1030699 (VCV001030699.1), dbSNP rs1772724414, ClinGen allele CA1091503774.

ClinVar aggregate classification (germline): Uncertain significance (1 of 4 stars; one submission).

Conditions:
Pontocerebellar hypoplasia type 6 (PCH6). Identifiers: Orphanet 166073, MedGen C1969084, MONDO:0012683, OMIM 611523.

Submission:

Baylor Genetics
Classification: Uncertain significance for Pontocerebellar hypoplasia type 6. Last evaluated: 2019-03-02. Review status: criteria provided, single submitter. Criteria: ACMG Guidelines, 2015. Collection method: clinical testing. Allele origin: paternal. Affected: yes.
Comment: This variant was determined to be of uncertain significance according to ACMG Guidelines, 2015 [PMID:25741868].